The following is an entry in ClinVar:

ClinVar aggregate classification (germline): Likely benign (1 of 4 stars; one submission).

Allele frequency attached by ClinVar (database versions not stated): gnomAD exomes below 0.00001.
gnomAD v4.1: 2 of 1,613,930 alleles (0.00012%); highest among the groups gnomAD compares: East Asian, 0.0045%; no homozygotes.

Submission:

Laboratory for Molecular Medicine, Mass General Brigham Personalized Medicine
Classification: Likely benign. Last evaluated: 2011-08-26. Review status: criteria provided, single submitter. Criteria: LMM Criteria. Collection method: clinical testing. Allele origin: germline. Observed: 2 variant alleles.
Comment: The Ser343Ala variant in USH2A has not been reported in the literature nor previ ously identified by our laboratory. Computational analyses (biochemical amino ac id properties, homology, PolyPhen2, SIFT, AlignGVGD, MAPP) do not suggest a high likelihood of impact to the protein. However, this information is not predictiv e enough to rule out pathogenicity. In summary, the clinical significance of thi s variant cannot be determined with certainty at this time; however based upon t he computational data, we would lean towards a more likely benign role.

NM_206933.4(USH2A):c.1027T>G (p.Ser343Ala)

Gene: USH2A (usherin; minus strand). Cytogenetic location: 1q41.
Variant type: single nucleotide variant.
Coding change: c.1027T>G on transcript NM_206933.4 (MANE Select); coding-DNA position 1027, T replaced by G.
Protein change: p.Ser343Ala; replaces serine 343 with alanine.
Molecular consequence: missense variant.
Genome position (GRCh38, 1-based): chr1:216,325,421, A>C on the plus strand (T>G on the coding strand, the complement: USH2A is on the minus strand). VCF-style: chr1-216325421-A-C. GRCh37 (hg19) VCF-style: chr1-216498763-A-C.
Other names: c.1027T>G, p.Ser343Ala (NM_007123.6); short protein forms S343A.
Identifiers: ClinVar variation 48345 (VCV000048345.5), dbSNP rs397517965, ClinGen allele CA143217.